The following is an entry in ClinVar:

ClinVar aggregate classification (germline): Likely pathogenic (1 of 4 stars; one submission).

Conditions:
Inborn genetic diseases. Identifiers: MedGen C0950123, MeSH D030342.

Submission:

Ambry Genetics
Classification: Likely pathogenic for Inborn genetic diseases. Last evaluated: 2026-04-14. Review status: criteria provided, single submitter. Criteria: Ambry Variant Classification Scheme 2023. Collection method: clinical testing. Allele origin: germline.
Comment: The c.114_114+6delGGTAAGA variant consists of a deletion of 7 nucleotides between positions c.114 and c.114+6 and involves the canonical splice donor site after exon 3 (coding exon 2) of the SNAP25 gene. Variants that disrupt the canonical splice site are expected to cause aberrant splicing, resulting in an abnormal protein or a transcript that is subject to nonsense-mediated mRNA decay. This variant was not reported in population-based cohorts in the Genome Aggregation Database (gnomAD). Another variant impacting the same donor site c.114+2T>G has been identified in individual(s) with features consistent with SNAP25-related neurodevelopmental disorder (Kl&ouml;ckner, 2021). These nucleotide positions are well conserved in available vertebrate species. In silico splice site analysis predicts that this alteration will weaken the native splice donor site. Based on the available evidence, this alteration is classified as likely pathogenic.

Literature cited by the submitters: PubMed 33299146.

NM_130811.4(SNAP25):c.114_114+6del

Gene: SNAP25 (synaptosome associated protein 25; plus strand). Cytogenetic location: 20p12.2.
Variant type: Deletion.
Coding change: c.114_114+6del on transcript NM_130811.4 (MANE Select); coding-DNA position 114 through 6 bases into the intron after coding-DNA position 114, 7 bases deleted (GGTAAGA; older notation c.114_114+6delGGTAAGA).
Molecular consequence: splice donor variant.
Genome position (GRCh38, 1-based): chr20:10,277,726-10,277,732, GGTAAGA deleted; deleting any 7 consecutive bases within chr20:10,277,722-10,277,732 gives the same sequence; the c. name uses the placement nearest the transcript's 3' end. VCF-style (leftmost placement, unchanged base first): chr20-10277721-GAAGAGGT-G. GRCh37 (hg19) VCF-style: chr20-10258369-GAAGAGGT-G.
Other names: c.114_114+6del (NM_001424416.1, NM_001322907.2, NM_001322910.2 and 9 more transcripts).
Identifiers: ClinVar variation 4864904 (VCV004864904.1).